The following is an entry in ClinVar:

NM_000535.7(PMS2):c.*110del

Gene: PMS2 (PMS1 homolog 2, mismatch repair system component; minus strand). Cytogenetic location: 7p22.1.
Variant type: Deletion.
Coding change: c.*110del on transcript NM_000535.7 (MANE Select); 110 bases downstream of the stop codon, one base deleted (A; older notation c.*110delA).
Molecular consequence: 3 prime UTR variant. On other transcripts: non-coding transcript variant (1).
Genome position (GRCh38, 1-based): chr7:5,973,289, T deleted on the plus strand (A on the coding strand, the reverse complement: PMS2 is on the minus strand); the first of 8 consecutive T bases (chr7:5,973,289-5,973,296); deleting any one gives the same sequence. VCF-style (leftmost placement, unchanged base first): chr7-5973288-AT-A. GRCh37 (hg19) VCF-style: chr7-6012919-AT-A.
Other names: c.*110del (NM_001322003.2, NM_001322004.2, NM_001322005.2 and 56 more transcripts).
Identifiers: ClinVar variation 4280720 (VCV004280720.1).

ClinVar aggregate classification (germline): Likely benign (1 of 4 stars; one submission).

Conditions:
Lynch syndrome 4 (LYNCH4). Also called: Colorectal cancer, hereditary nonpolyposis, type 4; Hereditary non-polyposis colorectal cancer, type 4. Identifiers: Orphanet 144, MedGen C1838333, MONDO:0013699, OMIM 614337. Disease mechanism: loss of function.

Submission:

Dipartimento Di Medicina Di Precisione, Università Degli Studi Della Campania Luigi Vanvitelli
Classification: Likely benign for Lynch syndrome 4. Last evaluated: 2025-09-26. Review status: criteria provided, single submitter. Criteria: ACMG Guidelines, 2015. Collection method: clinical testing. Allele origin: germline. Inheritance: Autosomal dominant inheritance. Affected: yes. Observed: 1 heterozygote.
Comment: The 3′ UTR deletion *PMS2 c.*110del (NM_000535.7) is located 110 nucleotides downstream of the stop codon. Computational predictions (UTR/polya signal and splicing predictor analyses) and population frequency data do not suggest a deleterious effect. No functional, tumor (IHC/MSI), or segregation data are currently available. In the absence of evidence supporting a damaging impact, and given the population frequency consistent with benignity, this submission classifies the variant as Likely Benign (LB).

Literature cited by the submitters: DOI 10.1002/cam4.71231.